The following is an entry in ClinVar:

ClinVar aggregate classification (germline): Conflicting classifications of pathogenicity. Review status: criteria provided, conflicting classifications (1 of 4 stars). 3 submissions from 3 submitters: Uncertain significance (1); Likely benign (1). 1 of the submissions does not count toward it. Last evaluated 2024-08-30.

Conditions:
Hereditary cancer-predisposing syndrome. Also called: Tumor predisposition; Hereditary neoplastic syndrome; Neoplastic Syndromes, Hereditary; Hereditary Cancer Syndrome. Identifiers: Orphanet 140162, MedGen C0027672, MeSH D009386, MONDO:0015356.
Fanconi anemia (FA). Also called: Fanconi's anemia. Identifiers: Orphanet 84, MedGen C0015625, MeSH D005199, MONDO:0019391.

Allele frequency attached by ClinVar (database versions not stated): gnomAD exomes below 0.00001.
gnomAD v4.1: 1 of 1,614,186 alleles (0.000062%); highest among the groups gnomAD compares: East Asian, 0.0022%; no homozygotes.

Submissions (3):

Ambry Genetics
Classification: Likely benign for Hereditary cancer-predisposing syndrome. Last evaluated: 2024-08-30. Review status: criteria provided, single submitter. Criteria: Ambry Variant Classification Scheme 2023. Collection method: clinical testing. Allele origin: germline.

Labcorp Genetics (formerly Invitae), Labcorp
Classification: Uncertain significance for Fanconi anemia. Last evaluated: 2023-04-23. Review status: criteria provided, single submitter. Criteria: Invitae Variant Classification Sherloc (09022015). Collection method: clinical testing. Allele origin: germline.
Comment: In summary, the available evidence is currently insufficient to determine the role of this variant in disease. Therefore, it has been classified as a Variant of Uncertain Significance. Advanced modeling of protein sequence and biophysical properties (such as structural, functional, and spatial information, amino acid conservation, physicochemical variation, residue mobility, and thermodynamic stability) performed at Invitae indicates that this missense variant is not expected to disrupt FANCC protein function. ClinVar contains an entry for this variant (Variation ID: 819172). This variant has not been reported in the literature in individuals affected with FANCC-related conditions. This variant is present in population databases (no rsID available, gnomAD 0.006%). This sequence change replaces aspartic acid, which is acidic and polar, with glycine, which is neutral and non-polar, at codon 476 of the FANCC protein (p.Asp476Gly).

Natera, Inc.
Classification: Uncertain significance for Fanconi anemia. Last evaluated: 2021-09-15. Review status: no assertion criteria provided. Collection method: clinical testing. Allele origin: germline. Not counted in ClinVar's aggregate classification.

NM_000136.3(FANCC):c.1427A>G (p.Asp476Gly)

Genes: AOPEP (aminopeptidase O (putative); plus strand), FANCC (FA complementation group C; minus strand). Cytogenetic location: 9q22.32.
Variant type: single nucleotide variant.
Coding change: c.1427A>G on transcript NM_000136.3 (MANE Select); coding-DNA position 1427, A replaced by G.
Protein change: p.Asp476Gly; replaces aspartic acid 476 with glycine.
Molecular consequence: missense variant.
Genome position (GRCh38, 1-based): chr9:95,107,172, T>C on the plus strand (A>G on the coding strand, the complement: FANCC is on the minus strand). VCF-style: chr9-95107172-T-C. GRCh37 (hg19) VCF-style: chr9-97869454-T-C.
Other names: c.1427A>G, p.Asp476Gly (NM_001243743.2); short protein forms D476G.
Identifiers: ClinVar variation 819172 (VCV000819172.10), dbSNP rs1375711161, ClinGen allele CA374105986.